The following is an entry in ClinVar:

NM_001013838.3(CARMIL2):c.4126_4127del (p.Leu1376fs)

Gene: CARMIL2 (capping protein regulator and myosin 1 linker 2; plus strand). Cytogenetic location: 16q22.1.
Variant type: Deletion.
Coding change: c.4126_4127del on transcript NM_001013838.3 (MANE Select); coding-DNA positions 4126 to 4127, 2 bases deleted (CT; older notation c.4126_4127delCT).
Protein change: p.Leu1376fs; shifts the reading frame from leucine 1376.
Molecular consequence: frameshift variant.
Genome position (GRCh38, 1-based): chr16:67,657,247-67,657,248, CT deleted. VCF-style (leftmost placement, unchanged base first): chr16-67657246-CCT-C. GRCh37 (hg19) VCF-style: chr16-67691149-CCT-C.
Other names: c.3937_3938del, p.Leu1313fs (NM_001317026.3); short protein forms L1313fs, L1376fs.
Identifiers: ClinVar variation 2025618 (VCV002025618.4), dbSNP rs2052882071, ClinGen allele CA2229422716.
Genomic context (GRCh38, chr16:67,657,246, plus strand): 5'-TGGACAGACCCCAAGCCTTAGCAACCCACCCCAAGCCTTTCTGTGTCCCTTAGAACGGCC[CCT>C]GAGGCTGCAGCGCTCCCCCGTCCTCAAACGCAGGCCAAAACTCGAGGCACCTCCATCCCC-3'

ClinVar aggregate classification (germline): Uncertain significance (1 of 4 stars; one submission).

Allele frequency attached by ClinVar (database versions not stated): gnomAD exomes below 0.00001; TOPMed below 0.00001.

Submission:

Labcorp Genetics (formerly Invitae), Labcorp
Classification: Uncertain significance. Last evaluated: 2024-08-05. Review status: criteria provided, single submitter. Criteria: Invitae Variant Classification Sherloc (09022015). Collection method: clinical testing. Allele origin: germline.
Comment: This sequence change creates a premature translational stop signal (p.Leu1376Glufs*42) in the CARMIL2 gene. While this is not anticipated to result in nonsense mediated decay, it is expected to disrupt the last 60 amino acid(s) of the CARMIL2 protein. This variant is not present in population databases (gnomAD no frequency). This variant has not been reported in the literature in individuals affected with CARMIL2-related conditions. ClinVar contains an entry for this variant (Variation ID: 2025618). Experimental studies and prediction algorithms are not available or were not evaluated, and the functional significance of this variant is currently unknown. In summary, the available evidence is currently insufficient to determine the role of this variant in disease. Therefore, it has been classified as a Variant of Uncertain Significance.